The following is an entry in ClinVar:

NM_001378452.1(ITPR1):c.1251+7C>T

Gene: ITPR1 (inositol 1,4,5-trisphosphate receptor type 1; plus strand). Cytogenetic location: 3p26.1.
Variant type: single nucleotide variant.
Coding change: c.1251+7C>T on transcript NM_001378452.1 (MANE Select); 7 bases into the intron after coding-DNA position 1251, C replaced by T.
Molecular consequence: intron variant.
Genome position (GRCh38, 1-based): chr3:4,661,094, C>T. VCF-style: chr3-4661094-C-T. GRCh37 (hg19) VCF-style: chr3-4702778-C-T.
Other names: c.1251+7C>T (NM_001099952.4); c.1206+7C>T (NM_001168272.2, NM_002222.7).
Identifiers: ClinVar variation 727439 (VCV000727439.10), dbSNP rs773078694, ClinGen allele CA2231128.

ClinVar aggregate classification (germline): Likely benign. Review status: criteria provided, single submitter (1 of 4 stars). 2 submissions from 2 submitters: Likely benign (1). 1 of the submissions does not count toward it. Last evaluated 2026-01-19.

Conditions:
ITPR1-related disorder. Also called: ITPR1-related condition.

Allele frequency attached by ClinVar (database versions not stated): gnomAD 0.00001; TOPMed 0.00003; ExAC 0.00013; gnomAD exomes 0.00013.
gnomAD v4.1: 37 of 1,540,780 alleles (0.0024%); highest among the groups gnomAD compares: Admixed American, 0.06%; no homozygotes.

Submissions (2):

Labcorp Genetics (formerly Invitae), Labcorp
Classification: Likely benign. Last evaluated: 2026-01-19. Review status: criteria provided, single submitter. Criteria: Invitae Variant Classification Sherloc (09022015). Collection method: clinical testing. Allele origin: germline.

PreventionGenetics, part of Exact Sciences
Classification: Likely benign for ITPR1-related condition. Last evaluated: 2019-07-17. Review status: no assertion criteria provided. Collection method: clinical testing. Allele origin: germline. Not counted in ClinVar's aggregate classification.
Comment: This variant is classified as likely benign based on ACMG/AMP sequence variant interpretation guidelines (Richards et al. 2015 PMID: 25741868, with internal and published modifications).